The following is an entry in ClinVar:

ClinVar aggregate classification (germline): Uncertain significance (1 of 4 stars; one submission).

gnomAD v4.1: 22 of 1,612,774 alleles (0.0014%); highest among the groups gnomAD compares: African/African-American, 0.008%; no homozygotes.

Submission:

GeneDx
Classification: Uncertain significance. Last evaluated: 2024-06-25. Review status: criteria provided, single submitter. Criteria: GeneDx Variant Classification Process June 2021. Collection method: clinical testing. Allele origin: germline. Affected: yes.
Comment: Not observed at significant frequency in large population cohorts (gnomAD); In silico analysis supports that this missense variant has a deleterious effect on protein structure/function; Has not been previously published as pathogenic or benign to our knowledge

NM_001365276.2(TNXB):c.8858C>T (p.Pro2953Leu)

Gene: TNXB (tenascin XB; minus strand). Cytogenetic location: 6p21.33.
Variant type: single nucleotide variant.
Coding change: c.8858C>T on transcript NM_001365276.2 (MANE Select); coding-DNA position 8858, C replaced by T.
Protein change: p.Pro2953Leu; replaces proline 2953 with leucine.
Molecular consequence: missense variant.
Genome position (GRCh38, 1-based): chr6:32,052,927, G>A on the plus strand (C>T on the coding strand, the complement: TNXB is on the minus strand). VCF-style: chr6-32052927-G-A. GRCh37 (hg19) VCF-style: chr6-32020704-G-A.
Other names: c.9599C>T, p.Pro3200Leu (NM_001428335.1); c.8852C>T, p.Pro2951Leu (NM_019105.8); short protein forms P2951L, P2953L, P3200L.
Identifiers: ClinVar variation 3392893 (VCV003392893.1).